The following is an entry in ClinVar:

ClinVar aggregate classification (germline): Uncertain significance (1 of 4 stars; one submission).

Allele frequency attached by ClinVar (database versions not stated): gnomAD exomes below 0.00001.
gnomAD v4.1: 1 of 1,614,132 alleles (0.000062%); highest among the groups gnomAD compares: Non-Finnish European, 0.000085%; no homozygotes.

Submission:

Labcorp Genetics (formerly Invitae), Labcorp
Classification: Uncertain significance. Last evaluated: 2026-01-21. Review status: criteria provided, single submitter. Criteria: Invitae Variant Classification Sherloc (09022015). Collection method: clinical testing. Allele origin: germline.
Comment: This sequence change replaces serine, which is neutral and polar, with proline, which is neutral and non-polar, at codon 459 of the BACH2 protein (p.Ser459Pro). This variant is not present in population databases (gnomAD no frequency). This variant has not been reported in the literature in individuals affected with BACH2-related conditions. ClinVar contains an entry for this variant (Variation ID: 2959563). Invitae Evidence Modeling of protein sequence and biophysical properties (such as structural, functional, and spatial information, amino acid conservation, physicochemical variation, residue mobility, and thermodynamic stability) indicates that this missense variant is not expected to disrupt BACH2 protein function with a negative predictive value of 80%. In summary, the available evidence is currently insufficient to determine the role of this variant in disease. Therefore, it has been classified as a Variant of Uncertain Significance.

NM_021813.4(BACH2):c.1375T>C (p.Ser459Pro)

Gene: BACH2 (BACH transcriptional regulator 2; minus strand). Cytogenetic location: 6q15.
Variant type: single nucleotide variant.
Coding change: c.1375T>C on transcript NM_021813.4 (MANE Select); coding-DNA position 1375, T replaced by C.
Protein change: p.Ser459Pro; replaces serine 459 with proline.
Molecular consequence: missense variant.
Genome position (GRCh38, 1-based): chr6:89,950,731, A>G on the plus strand (T>C on the coding strand, the complement: BACH2 is on the minus strand). VCF-style: chr6-89950731-A-G. GRCh37 (hg19) VCF-style: chr6-90660450-A-G.
Other names: c.1375T>C, p.Ser459Pro (NM_001170794.2); short protein forms S459P.
Identifiers: ClinVar variation 2959563 (VCV002959563.3), dbSNP rs1351714396, ClinGen allele CA365070970.